The following is an entry in ClinVar:

NM_005647.4(TBL1X):c.597G>T (p.Glu199Asp)

Gene: TBL1X (transducin beta like 1 X-linked; plus strand). Cytogenetic location: Xp22.2.
Variant type: single nucleotide variant.
Coding change: c.597G>T on transcript NM_005647.4 (MANE Select); coding-DNA position 597, G replaced by T.
Protein change: p.Glu199Asp; replaces glutamic acid 199 with aspartic acid.
Molecular consequence: missense variant.
Genome position (GRCh38, 1-based): chrX:9,688,256, G>T. VCF-style: chrX-9688256-G-T. GRCh37 (hg19) VCF-style: chrX-9656296-G-T.
Other names: c.597G>T, p.Glu199Asp (NM_001139466.1); c.444G>T, p.Glu148Asp (NM_001139467.1, NM_001139468.1); short protein forms E148D, E199D.
Identifiers: ClinVar variation 2662849 (VCV002662849.1), dbSNP rs1364487154, ClinGen allele CA411998375.
Genomic context (GRCh38, chrX:9,688,256, plus strand): 5'-AGCCGGCGTTTCCCACCAAAATCCATCGAAGAACAGAGAGGCCACGGTGAATGGGGAAGA[G>T]AACAGAGCACATTCAGTCAGTGAGTGCAGGGGCTCTGGGAGTTCGGTGGGCCTCTCTGGG-3'
Protein context (NP_005638.1, residues 189-209): KNREATVNGE[Glu199Asp]NRAHSVNNHA

ClinVar aggregate classification (germline): Uncertain significance (1 of 4 stars; one submission).

Allele frequency attached by ClinVar (database versions not stated): TOPMed 0.00001; gnomAD 0.00002.
gnomAD v4.1: 18 of 1,188,603 alleles (0.0015%); highest among the groups gnomAD compares: Non-Finnish European, 0.0019%; no homozygotes.

Submission:

GeneDx
Classification: Uncertain significance. Last evaluated: 2023-09-27. Review status: criteria provided, single submitter. Criteria: GeneDx Variant Classification Process June 2021. Collection method: clinical testing. Allele origin: germline. Affected: yes.
Comment: In silico analysis supports that this missense variant does not alter protein structure/function; Has not been previously published as pathogenic or benign to our knowledge; Not observed at significant frequency in large population cohorts (gnomAD); however, has been observed in at least one hemizygous clinically unaffected adult relative of an individual referred for genetic testing at GeneDx